The following is an entry in ClinVar:

NM_005428.4(VAV1):c.1785del (p.Lys596fs)

Gene: VAV1 (vav guanine nucleotide exchange factor 1; plus strand). Cytogenetic location: 19p13.3.
Variant type: Deletion.
Coding change: c.1785del on transcript NM_005428.4 (MANE Select); coding-DNA position 1785, one base deleted (C; older notation c.1785delC).
Protein change: p.Lys596fs; shifts the reading frame from lysine 596.
Molecular consequence: frameshift variant.
Genome position (GRCh38, 1-based): chr19:6,836,439, C deleted; the last of 3 consecutive C bases (chr19:6,836,437-6,836,439); deleting any one gives the same sequence. VCF-style (leftmost placement, unchanged base first): chr19-6836436-GC-G. GRCh37 (hg19) VCF-style: chr19-6836447-GC-G.
Other names: c.1785del, p.Lys596fs (NM_001258206.2); c.1689del, p.Lys564fs (NM_001258207.2); short protein forms K564fs, K596fs.
Identifiers: ClinVar variation 2848890 (VCV002848890.3), dbSNP rs756621926, ClinGen allele CA9132752.
Genomic context (GRCh38, chr19:6,836,436, plus strand): 5'-TTCAGGGTTGAAAGTTGACTGCCAACCACCCTGTACTCCTGTACCCTGTCCTCCAGGTCT[GC>G]CCAAGATGGAGGTGTTTCAGGAATACTACGGGCTTCCTCCACCCCCTGGAGCCATTGGAC-3'

ClinVar aggregate classification (germline): Uncertain significance (1 of 4 stars; one submission).

Submission:

Labcorp Genetics (formerly Invitae), Labcorp
Classification: Uncertain significance. Last evaluated: 2023-12-23. Review status: criteria provided, single submitter. Criteria: Invitae Variant Classification Sherloc (09022015). Collection method: clinical testing. Allele origin: germline.
Comment: This sequence change creates a premature translational stop signal (p.Lys596Argfs*60) in the VAV1 gene. It is expected to result in an absent or disrupted protein product. However, the current clinical and genetic evidence is not sufficient to establish whether loss-of-function variants in VAV1 cause disease. This variant is present in population databases (rs756621926, gnomAD 0.0009%). This variant has not been reported in the literature in individuals affected with VAV1-related conditions. Experimental studies and prediction algorithms are not available or were not evaluated, and the functional significance of this variant is currently unknown. In summary, the available evidence is currently insufficient to determine the role of this variant in disease. Therefore, it has been classified as a Variant of Uncertain Significance.